The following is an entry in ClinVar:

ClinVar aggregate classification (germline): Uncertain significance. Review status: criteria provided, multiple submitters, no conflicts (2 of 4 stars). 2 submissions from 2 submitters: Uncertain significance (2). Last evaluated 2025-04-18.

Conditions:
Hereditary cancer-predisposing syndrome. Also called: Neoplastic Syndromes, Hereditary; Tumor predisposition; Hereditary Cancer Syndrome; Hereditary neoplastic syndrome. Identifiers: Orphanet 140162, MedGen C0027672, MeSH D009386, MONDO:0015356.

Allele frequency attached by ClinVar (database versions not stated): gnomAD exomes below 0.00001.
gnomAD v4.1: 1 of 1,547,894 alleles (0.000065%); highest among the groups gnomAD compares: Non-Finnish European, 0.000087%; no homozygotes.

Submissions (2):

Labcorp Genetics (formerly Invitae), Labcorp
Classification: Uncertain significance. Last evaluated: 2025-04-18. Review status: criteria provided, single submitter. Criteria: Invitae Variant Classification Sherloc (09022015). Collection method: clinical testing. Allele origin: germline.
Comment: This sequence change replaces glycine, which is neutral and non-polar, with valine, which is neutral and non-polar, at codon 29 of the FH protein (p.Gly29Val). This variant is not present in population databases (gnomAD no frequency). This variant has not been reported in the literature in individuals affected with FH-related conditions. ClinVar contains an entry for this variant (Variation ID: 1764362). Invitae Evidence Modeling of protein sequence and biophysical properties (such as structural, functional, and spatial information, amino acid conservation, physicochemical variation, residue mobility, and thermodynamic stability) indicates that this missense variant is not expected to disrupt FH protein function with a negative predictive value of 95%. In summary, the available evidence is currently insufficient to determine the role of this variant in disease. Therefore, it has been classified as a Variant of Uncertain Significance.

Ambry Genetics
Classification: Uncertain significance for Hereditary cancer-predisposing syndrome. Last evaluated: 2022-08-04. Review status: criteria provided, single submitter. Criteria: Ambry Variant Classification Scheme 2023. Collection method: clinical testing. Allele origin: germline.
Comment: The p.G29V variant (also known as c.86G>T), located in coding exon 1 of the FH gene, results from a G to T substitution at nucleotide position 86. The glycine at codon 29 is replaced by valine, an amino acid with dissimilar properties. This amino acid position is conserved. In addition, the in silico prediction for this alteration is inconclusive. Since supporting evidence is limited at this time, the clinical significance of this alteration remains unclear.

NM_000143.4(FH):c.86G>T (p.Gly29Val)

Gene: FH (fumarate hydratase; minus strand). Cytogenetic location: 1q43.
Variant type: single nucleotide variant.
Coding change: c.86G>T on transcript NM_000143.4 (MANE Select); coding-DNA position 86, G replaced by T.
Protein change: p.Gly29Val; replaces glycine 29 with valine.
Molecular consequence: missense variant.
Genome position (GRCh38, 1-based): chr1:241,519,637, C>A on the plus strand (G>T on the coding strand, the complement: FH is on the minus strand). VCF-style: chr1-241519637-C-A. GRCh37 (hg19) VCF-style: chr1-241682937-C-A.
Other names: short protein forms G29V.
Identifiers: ClinVar variation 1764362 (VCV001764362.3), dbSNP rs2147926930, ClinGen allele CA345442742.